The following is an entry in ClinVar:

NM_020877.5(DNAH2):c.2617C>T (p.Leu873=)

Gene: DNAH2 (dynein axonemal heavy chain 2; plus strand). Cytogenetic location: 17p13.1.
Variant type: single nucleotide variant.
Coding change: c.2617C>T on transcript NM_020877.5 (MANE Select); coding-DNA position 2617, C replaced by T.
Protein change: p.Leu873=; no amino-acid change (leucine 873 retained).
Molecular consequence: synonymous variant.
Genome position (GRCh38, 1-based): chr17:7,759,590, C>T. VCF-style: chr17-7759590-C-T. GRCh37 (hg19) VCF-style: chr17-7662908-C-T.
Identifiers: ClinVar variation 2647373 (VCV002647373.24), dbSNP rs1460399374, ClinGen allele CA497728128.

ClinVar aggregate classification (germline): Likely benign (1 of 4 stars; one submission).

Allele frequency attached by ClinVar (database versions not stated): TOPMed below 0.00001; gnomAD exomes 0.00001.
gnomAD v4.1: 9 of 1,614,012 alleles (0.00056%); highest among the groups gnomAD compares: Non-Finnish European, 0.00068%; no homozygotes.

Submission:

CeGaT Center for Human Genetics Tuebingen
Classification: Likely benign. Last evaluated: 2022-10-01. Review status: criteria provided, single submitter. Criteria: CeGaT Center For Human Genetics Tuebingen Variant Classification Criteria Version 2. Collection method: clinical testing. Allele origin: germline. Affected: yes. Observed: 1 variant allele.
Comment: DNAH2: BP4, BP7